The following is an entry in ClinVar:

ClinVar aggregate classification (germline): Benign/Likely benign. Review status: criteria provided, multiple submitters, no conflicts (2 of 4 stars). 4 submissions from 4 submitters: Benign (3); Likely benign (1). Last evaluated 2026-02-04.

Allele frequency attached by ClinVar (database versions not stated): 1000 Genomes Project 30x 0.00828; 1000 Genomes Project 0.00879; TOPMed 0.01700; ESP Exome Variant Server 0.01853; gnomAD 0.02091 and 0.02143; ExAC 0.02302.
gnomAD v4.1: 38,785 of 1,596,542 alleles (2.4%); highest among the groups gnomAD compares: Non-Finnish European, 2.7%; 589 homozygotes.

Submissions (4):

Labcorp Genetics (formerly Invitae), Labcorp
Classification: Benign. Last evaluated: 2026-02-04. Review status: criteria provided, single submitter. Criteria: Invitae Variant Classification Sherloc (09022015). Collection method: clinical testing. Allele origin: germline.

Blueprint Genetics
Classification: Likely benign. Last evaluated: 2024-11-25. Review status: criteria provided, single submitter. Criteria: ACMG Guidelines, 2015. Collection method: clinical testing. Allele origin: germline.

Women's Health and Genetics/Laboratory Corporation of America, LabCorp
Classification: Benign. Last evaluated: 2017-07-04. Review status: criteria provided, single submitter. Criteria: LabCorp Variant Classification Summary - May 2015. Collection method: clinical testing. Allele origin: germline.
Comment: Variant summary: The RASA2 c.528-19C>T variant involves the alteration of a non-conserved intronic nucleotide. Mutation taster predicts a benign outcome for this variant. 5/5 splice prediction tools predict no significant impact on normal splicing. This variant was found in 2787/121056 control chromosomes (50 homozygotes) at a frequency of 0.0230224, which is approximately 4604 times the estimated maximal expected allele frequency of a pathogenic RASA2 variant (0.000005), suggesting this variant is likely a benign polymorphism. The variant of interest has not, to our knowledge, been reported in affected individuals via publications and/or reputable databases/clinical diagnostic laboratories. Taken together, this variant is classified as benign.

Breakthrough Genomics
Classification: Benign. Review status: criteria provided, single submitter. Criteria: ACMG Guidelines, 2015. Collection method: not provided. Allele origin: germline. Inheritance: Unknown mechanism. Affected: yes.

NM_006506.5(RASA2):c.528-19C>T

Gene: RASA2 (RAS p21 protein activator 2; plus strand). Cytogenetic location: 3q23.
Variant type: single nucleotide variant.
Coding change: c.528-19C>T on transcript NM_006506.5 (MANE Select); 19 bases into the intron before coding-DNA position 528, C replaced by T.
Molecular consequence: intron variant.
Genome position (GRCh38, 1-based): chr3:141,553,838, C>T. VCF-style: chr3-141553838-C-T. GRCh37 (hg19) VCF-style: chr3-141272680-C-T.
Other names: c.528-19C>T (NM_001303245.3, NM_001303246.3).
Identifiers: ClinVar variation 496327 (VCV000496327.12), dbSNP rs75293937, ClinGen allele CA2645234.